The following is an entry in ClinVar:

NM_017763.6(RNF43):c.301C>G (p.Pro101Ala)

Gene: RNF43 (ring finger protein 43; minus strand). Cytogenetic location: 17q22.
Variant type: single nucleotide variant.
Coding change: c.301C>G on transcript NM_017763.6 (MANE Select); coding-DNA position 301, C replaced by G.
Protein change: p.Pro101Ala; replaces proline 101 with alanine.
Molecular consequence: missense variant.
Genome position (GRCh38, 1-based): chr17:58,370,985, G>C on the plus strand (C>G on the coding strand, the complement: RNF43 is on the minus strand). VCF-style: chr17-58370985-G-C. GRCh37 (hg19) VCF-style: chr17-56448346-G-C.
Other names: c.301C>G, p.Pro101Ala (NM_001305544.3); c.-81C>G (NM_001305545.2); short protein forms P101A.
Identifiers: ClinVar variation 1026048 (VCV001026048.10), dbSNP rs773179126, ClinGen allele CA8673470.

ClinVar aggregate classification (germline): Conflicting classifications of pathogenicity. Review status: criteria provided, conflicting classifications (1 of 4 stars). 3 submissions from 3 submitters: Uncertain significance (2); Likely benign (1). Last evaluated 2026-03-18.

Allele frequency attached by ClinVar (database versions not stated): gnomAD exomes below 0.00001; TOPMed below 0.00001; ExAC 0.00001.
gnomAD v4.1: 5 of 1,611,524 alleles (0.00031%); highest among the groups gnomAD compares: South Asian, 0.0044%; no homozygotes.

Submissions (3):

Ambry Genetics
Classification: Likely benign. Last evaluated: 2026-03-18. Review status: criteria provided, single submitter. Criteria: Ambry Variant Classification Scheme 2023. Collection method: clinical testing. Allele origin: germline.

Labcorp Genetics (formerly Invitae), Labcorp
Classification: Uncertain significance. Last evaluated: 2025-05-05. Review status: criteria provided, single submitter. Criteria: Invitae Variant Classification Sherloc (09022015). Collection method: clinical testing. Allele origin: germline.
Comment: This sequence change replaces proline, which is neutral and non-polar, with alanine, which is neutral and non-polar, at codon 101 of the RNF43 protein (p.Pro101Ala). This variant is present in population databases (rs773179126, gnomAD 0.003%). This variant has not been reported in the literature in individuals affected with RNF43-related conditions. ClinVar contains an entry for this variant (Variation ID: 1026048). An algorithm developed to predict the effect of missense changes on protein structure and function (PolyPhen-2) suggests that this variant is likely to be tolerated. In summary, the available evidence is currently insufficient to determine the role of this variant in disease. Therefore, it has been classified as a Variant of Uncertain Significance.

GeneDx
Classification: Uncertain significance. Last evaluated: 2024-06-03. Review status: criteria provided, single submitter. Criteria: GeneDx Variant Classification Process June 2021. Collection method: clinical testing. Allele origin: germline. Affected: yes.
Comment: Not observed at significant frequency in large population cohorts (gnomAD); In silico analysis indicates that this missense variant does not alter protein structure/function; Has not been previously published as pathogenic or benign to our knowledge; Variants in candidate genes are classified as variants of uncertain significance in accordance with ACMG guidelines (PMID: 25741868)